The following is an entry in ClinVar:

ClinVar aggregate classification (germline): Uncertain significance (1 of 4 stars; one submission).

Conditions:
Malignant hyperthermia, susceptibility to, 1 (MHS1). Also called: Anesthesia related hyperthermia; Malignant hyperpyrexia; Fulminating hyperpyrexia; Pharmacogenic myopathy; RYR1-Related Malignant Hyperthermia Susceptibility; Malignant hyperthermia suceptibility 1. Identifiers: Orphanet 423, MedGen C2930980, MONDO:0007783, OMIM 145600.

Submission:

All of Us Research Program, National Institutes of Health
Classification: Uncertain significance for Malignant hyperthermia, susceptibility to, 1. Last evaluated: 2023-12-13. Review status: criteria provided, single submitter. Criteria: ACMG Guidelines, 2015. Collection method: clinical testing. Allele origin: germline. Inheritance: Autosomal dominant inheritance. Observed: 1 variant allele, 1 heterozygote.
Comment: This missense variant replaces valine with methionine at codon 4839 of the RYR1 protein. Computational prediction is inconclusive regarding the impact of this variant on protein structure and function (internally defined REVEL score threshold 0.5 < inconclusive < 0.7, PMID: 27666373). To our knowledge, functional studies have not been reported for this variant. This variant has not been reported in individuals affected with RYR1-related disorders in the literature. This variant has not been identified in the general population by the Genome Aggregation Database (gnomAD). The available evidence is insufficient to determine the role of this variant in disease conclusively. Therefore, this variant is classified as a Variant of Uncertain Significance.

This study involves interpretation of variants in research participants for the purpose of population health screening. Participant phenotype was not available at the time of variant classification. Additional details can be found in publication PMID: 35346344, PMCID: PMC8962531

NM_000540.3(RYR1):c.14515G>A (p.Val4839Met)

Gene: RYR1 (ryanodine receptor 1; plus strand). Cytogenetic location: 19q13.2.
Variant type: single nucleotide variant.
Coding change: c.14515G>A on transcript NM_000540.3 (MANE Select); coding-DNA position 14515, G replaced by A.
Protein change: p.Val4839Met; replaces valine 4839 with methionine.
Molecular consequence: missense variant.
Genome position (GRCh38, 1-based): chr19:38,580,373, G>A. VCF-style: chr19-38580373-G-A. GRCh37 (hg19) VCF-style: chr19-39071013-G-A.
Other names: c.14500G>A, p.Val4834Met (NM_001042723.2); short protein forms V4834M, V4839M.
Identifiers: ClinVar variation 3074767 (VCV003074767.1), dbSNP rs1974145234, ClinGen allele CA405687555.